The following is an entry in ClinVar:

ClinVar aggregate classification (germline): Uncertain significance. Review status: criteria provided, multiple submitters, no conflicts (2 of 4 stars). 2 submissions from 2 submitters: Uncertain significance (2). Last evaluated 2025-05-13.

Conditions:
Dyskeratosis congenita, autosomal dominant 2. Identifiers: MedGen C3151443, MONDO:0013521, OMIM 613989.
Idiopathic Pulmonary Fibrosis. Also called: Idiopathic fibrosing alveolitis, chronic form; idiopathic fibrosing alveolitis. Identifiers: Orphanet 2032, MedGen C1800706, MeSH D054990, MONDO:0800504.
Dyskeratosis congenita. Identifiers: Orphanet 1775, MedGen C0265965, MONDO:0015780.

Allele frequency attached by ClinVar (database versions not stated): gnomAD 0.00001; gnomAD exomes 0.00001; TOPMed 0.00001; ExAC 0.00002.
gnomAD v4.1: 5 of 1,594,000 alleles (0.00031%); highest among the groups gnomAD compares: African/African-American, 0.0027%; no homozygotes.

Submissions (2):

Labcorp Genetics (formerly Invitae), Labcorp
Classification: Uncertain significance for Dyskeratosis congenita, autosomal dominant 2; Idiopathic Pulmonary Fibrosis. Last evaluated: 2025-05-13. Review status: criteria provided, single submitter. Criteria: Invitae Variant Classification Sherloc (09022015). Collection method: clinical testing. Allele origin: germline.
Comment: This sequence change replaces arginine, which is basic and polar, with tryptophan, which is neutral and slightly polar, at codon 201 of the TERT protein (p.Arg201Trp). The frequency data for this variant in the population databases is considered unreliable, as metrics indicate poor data quality at this position in the gnomAD database. This variant has not been reported in the literature in individuals affected with TERT-related conditions. ClinVar contains an entry for this variant (Variation ID: 471897). Invitae Evidence Modeling of protein sequence and biophysical properties (such as structural, functional, and spatial information, amino acid conservation, physicochemical variation, residue mobility, and thermodynamic stability) indicates that this missense variant is expected to disrupt TERT protein function with a positive predictive value of 95%. In summary, the available evidence is currently insufficient to determine the role of this variant in disease. Therefore, it has been classified as a Variant of Uncertain Significance.

Ambry Genetics
Classification: Uncertain significance for Dyskeratosis congenita. Last evaluated: 2022-04-19. Review status: criteria provided, single submitter. Criteria: Ambry Variant Classification Scheme 2023. Collection method: clinical testing. Allele origin: germline.
Comment: The p.R201W variant (also known as c.601C>T), located in coding exon 2 of the TERT gene, results from a C to T substitution at nucleotide position 601. The arginine at codon 201 is replaced by tryptophan, an amino acid with dissimilar properties. This amino acid position is conserved. In addition, the in silico prediction for this alteration is inconclusive. Since supporting evidence is limited at this time, the clinical significance of this alteration remains unclear.

NM_198253.3(TERT):c.601C>T (p.Arg201Trp)

Gene: TERT (telomerase reverse transcriptase; minus strand). Cytogenetic location: 5p15.33.
Variant type: single nucleotide variant.
Coding change: c.601C>T on transcript NM_198253.3 (MANE Select); coding-DNA position 601, C replaced by T.
Protein change: p.Arg201Trp; replaces arginine 201 with tryptophan.
Molecular consequence: missense variant. On other transcripts: non-coding transcript variant (2).
Genome position (GRCh38, 1-based): chr5:1,294,285, G>A on the plus strand (C>T on the coding strand, the complement: TERT is on the minus strand). VCF-style: chr5-1294285-G-A. GRCh37 (hg19) VCF-style: chr5-1294400-G-A.
Other names: c.601C>T, p.Arg201Trp (NM_001193376.3); short protein forms R201W.
Identifiers: ClinVar variation 471897 (VCV000471897.14), dbSNP rs765833936, ClinGen allele CA3184948.